The following is an entry in ClinVar:

NM_001754.5(RUNX1):c.436A>T (p.Asn146Tyr)

Genes: RUNX1 (RUNX family transcription factor 1; minus strand), RUNX1-AS1 (RUNX1 antisense RNA 1; plus strand). Cytogenetic location: 21q22.12.
Variant type: single nucleotide variant.
Coding change: c.436A>T on transcript NM_001754.5 (MANE Select); coding-DNA position 436, A replaced by T.
Protein change: p.Asn146Tyr; replaces asparagine 146 with tyrosine.
Molecular consequence: missense variant.
Genome position (GRCh38, 1-based): chr21:34,880,629, T>A on the plus strand (A>T on the coding strand, the complement: RUNX1 is on the minus strand). VCF-style: chr21-34880629-T-A. GRCh37 (hg19) VCF-style: chr21-36252926-T-A.
Other names: NM_001754.5(RUNX1):c.436A>T; p.Asn146Tyr; c.355A>T, p.Asn119Tyr (NM_001001890.3, NM_001122607.2); short protein forms N119Y, N146Y.
Identifiers: ClinVar variation 949250 (VCV000949250.11), dbSNP rs2057887317, ClinGen allele CA410202614.

ClinVar aggregate classification (germline): Uncertain significance. Review status: reviewed by expert panel (3 of 4 stars). 2 submissions from 2 submitters: Uncertain significance (1). 1 of the submissions does not count toward it. Last evaluated 2024-09-18.

Conditions:
Hereditary thrombocytopenia and hematologic cancer predisposition syndrome. Identifiers: Orphanet 71290, MedGen CN281654, MONDO:0011071.
Hereditary thrombocytopenia and hematological cancer predisposition syndrome associated with RUNX1. Also called: PLATELET DISORDER, ASPIRIN-LIKE; Familial Platelet Disorder with Propensity to Acute Myelogenous Leukemia; Familial thrombocytopenia with propensity to acute myelogenous leukemia; RUNX1 Familial Platelet Disorder with Associated Myeloid Malignancies. Identifiers: Orphanet 71290, MedGen C1832388, MeSH C563324, MONDO:0100083, OMIM 601399.

Submissions (2):

ClinGen Myeloid Malignancy Variant Curation Expert Panel
Classification: Uncertain significance for Hereditary thrombocytopenia and hematologic cancer predisposition syndrome. Last evaluated: 2024-09-18. Review status: reviewed by expert panel. Criteria: ClinGen MyeloMalig ACMG Specifications v2. Collection method: curation. Allele origin: germline. Inheritance: Autosomal dominant inheritance.
Comment: NM_001754.5(RUNX1):c.436A>T (p.Asn146Tyr) is a missense variant which has a REVEL score ≥ 0.88 (0.978) (PP3). This variant affects a codon within the Runt Homology domain (AA 89-204) but does not occur within an established hotspot residue (PM1_Supporting). This variant is completely absent from all population databases with at least 20x coverage for RUNX1 (PM2_Supporting). In summary, the clinical significance of this variant is uncertain. ACMG/AMP criteria applied, as specified by the Myeloid Malignancy Variant Curation Expert Panel for RUNX1: PP3, PM1_supporting, PM2_supporting.

Labcorp Genetics (formerly Invitae), Labcorp
Classification: Uncertain significance for Hereditary thrombocytopenia and hematological cancer predisposition syndrome associated with RUNX1. Last evaluated: 2025-07-31. Review status: criteria provided, single submitter. Criteria: Invitae Variant Classification Sherloc (09022015). Collection method: clinical testing. Allele origin: germline. Not counted in ClinVar's aggregate classification.
Comment: This sequence change replaces asparagine, which is neutral and polar, with tyrosine, which is neutral and polar, at codon 146 of the RUNX1 protein (p.Asn146Tyr). This variant is not present in population databases (gnomAD no frequency). This variant has not been reported in the literature in individuals affected with RUNX1-related conditions. ClinVar contains an entry for this variant (Variation ID: 949250). Invitae Evidence Modeling of protein sequence and biophysical properties (such as structural, functional, and spatial information, amino acid conservation, physicochemical variation, residue mobility, and thermodynamic stability) has been performed for this missense variant. However, the output from this modeling did not meet the statistical confidence thresholds required to predict the impact of this variant on RUNX1 protein function. In summary, the available evidence is currently insufficient to determine the role of this variant in disease. Therefore, it has been classified as a Variant of Uncertain Significance.